The following is an entry in ClinVar:

NM_001048174.2(MUTYH):c.430C>G (p.Gln144Glu)

Gene: MUTYH (mutY DNA glycosylase; minus strand). Cytogenetic location: 1p34.1.
Variant type: single nucleotide variant.
Coding change: c.430C>G on transcript NM_001048174.2 (MANE Select); coding-DNA position 430, C replaced by G.
Protein change: p.Gln144Glu; replaces glutamine 144 with glutamic acid.
Molecular consequence: missense variant. On other transcripts: non-coding transcript variant (7).
Genome position (GRCh38, 1-based): chr1:45,332,825, G>C on the plus strand (C>G on the coding strand, the complement: MUTYH is on the minus strand). VCF-style: chr1-45332825-G-C. GRCh37 (hg19) VCF-style: chr1-45798497-G-C.
Other names: c.430C>G, p.Gln144Glu (NM_001293195.2, NM_001407070.1, NM_001407072.1 and 6 more transcripts); c.154C>G, p.Gln52Glu (NM_001293196.2, NM_001407091.1, NM_001293192.2); c.85C>G, p.Gln29Glu (NM_001350650.2, NM_001350651.2, NM_001407082.1); c.463C>G, p.Gln155Glu (NM_001407069.1, NM_001293191.2, NM_001407077.1); c.433C>G, p.Gln145Glu (NM_001407071.1, NM_001048172.2, NM_001407078.1 and 1 more transcripts); c.451C>G, p.Gln151Glu (NM_001407087.1); c.505C>G, p.Gln169Glu (NM_012222.3); c.514C>G, p.Gln172Glu (NM_001128425.2); and 5 more; short protein forms Q130E, Q131E, Q151E, Q158E, Q52E, Q144E, Q159E, Q29E.
Identifiers: ClinVar variation 4113708 (VCV004113708.1).
Genomic context (GRCh38, chr1:45,332,825, plus strand): 5'-TCCGAGCTCCCTCCTGCAGCCGCCGGCCACGAGAATAGTAGCCCAGGCCAGCCCAGAGTT[G>C]ATTCACCTCCTGTGGGTAGGATCAGAGGTCAAAGAGATCACCCGTCAGTCCCTCTATTGT-3'
Protein context (NP_001041639.1, residues 134-154): LASASLEEVN[Gln144Glu]LWAGLGYYSR

ClinVar aggregate classification (germline): Uncertain significance (1 of 4 stars; one submission).

Conditions:
Hereditary cancer-predisposing syndrome. Also called: Hereditary neoplastic syndrome; Neoplastic Syndromes, Hereditary; Tumor predisposition; Hereditary Cancer Syndrome. Identifiers: Orphanet 140162, MedGen C0027672, MeSH D009386, MONDO:0015356.

Submission:

Ambry Genetics
Classification: Uncertain significance for Hereditary cancer-predisposing syndrome. Last evaluated: 2025-08-27. Review status: criteria provided, single submitter. Criteria: Ambry Variant Classification Scheme 2023. Collection method: clinical testing. Allele origin: germline.
Comment: The p.Q172E variant (also known as c.514C>G), located in coding exon 7 of the MUTYH gene, results from a C to G substitution at nucleotide position 514. The glutamine at codon 172 is replaced by glutamic acid, an amino acid with highly similar properties. This amino acid position is conserved. In addition, this alteration is predicted to be tolerated by in silico analysis. Based on the available evidence, the clinical significance of this variant remains unclear.